The following is an entry in ClinVar:

ClinVar aggregate classification (germline): Uncertain significance (1 of 4 stars; one submission).

Conditions:
MOGS-congenital disorder of glycosylation. Also called: CDG IIb; GLUCOSIDASE I DEFICIENCY; MOGS-CDG; CDG 2B. Identifiers: Orphanet 79330, MedGen C1853736, MONDO:0011629, OMIM 606056.

gnomAD v4.1: 5 of 1,613,936 alleles (0.00031%); highest among the groups gnomAD compares: East Asian, 0.011%; no homozygotes.

Submission:

Labcorp Genetics (formerly Invitae), Labcorp
Classification: Uncertain significance for MOGS-congenital disorder of glycosylation. Last evaluated: 2021-08-24. Review status: criteria provided, single submitter. Criteria: Invitae Variant Classification Sherloc (09022015). Collection method: clinical testing. Allele origin: germline.
Comment: This sequence change replaces arginine with glycine at codon 729 of the MOGS protein (p.Arg729Gly). The arginine residue is highly conserved and there is a moderate physicochemical difference between arginine and glycine. This variant is not present in population databases (ExAC no frequency). This variant has not been reported in the literature in individuals affected with MOGS-related conditions. Algorithms developed to predict the effect of missense changes on protein structure and function are either unavailable or do not agree on the potential impact of this missense change (SIFT: "Deleterious"; PolyPhen-2: "Probably Damaging"; Align-GVGD: "Class C15"). Algorithms developed to predict the effect of sequence changes on RNA splicing suggest that this variant may create or strengthen a splice site. In summary, the available evidence is currently insufficient to determine the role of this variant in disease. Therefore, it has been classified as a Variant of Uncertain Significance.

NM_006302.3(MOGS):c.2185C>G (p.Arg729Gly)

Gene: MOGS (mannosyl-oligosaccharide glucosidase; minus strand). Cytogenetic location: 2p13.1.
Variant type: single nucleotide variant.
Coding change: c.2185C>G on transcript NM_006302.3 (MANE Select); coding-DNA position 2185, C replaced by G.
Protein change: p.Arg729Gly; replaces arginine 729 with glycine.
Molecular consequence: missense variant.
Genome position (GRCh38, 1-based): chr2:74,461,604, G>C on the plus strand (C>G on the coding strand, the complement: MOGS is on the minus strand). VCF-style: chr2-74461604-G-C. GRCh37 (hg19) VCF-style: chr2-74688731-G-C.
Other names: c.1867C>G, p.Arg623Gly (NM_001146158.2); short protein forms R623G, R729G.
Identifiers: ClinVar variation 1402443 (VCV001402443.1), dbSNP rs777010548, ClinGen allele CA347367083.